The following is an entry in ClinVar:

ClinVar aggregate classification (germline): Uncertain significance (1 of 4 stars; one submission).

Conditions:
Dyskeratosis congenita, autosomal recessive 5 (DKCB5). Identifiers: MedGen C3554656, MONDO:0014076, OMIM 615190.
Pulmonary fibrosis and/or bone marrow failure, Telomere-related, 3. Also called: PULMONARY FIBROSIS AND/OR BONE MARROW FAILURE SYNDROME, TELOMERE-RELATED, 3. Identifiers: Orphanet 2032, MedGen C4225346, MONDO:0014613, OMIM 616373.

Submission:

Labcorp Genetics (formerly Invitae), Labcorp
Classification: Uncertain significance for Dyskeratosis congenita, autosomal recessive 5; Pulmonary fibrosis and/or bone marrow failure, Telomere-related, 3. Last evaluated: 2022-03-21. Review status: criteria provided, single submitter. Criteria: Invitae Variant Classification Sherloc (09022015). Collection method: clinical testing. Allele origin: germline.
Comment: This sequence change affects codon 541 of the RTEL1 mRNA. It is a 'silent' change, meaning that it does not change the encoded amino acid sequence of the RTEL1 protein. This variant is not present in population databases (gnomAD no frequency). This variant has not been reported in the literature in individuals affected with RTEL1-related conditions. Algorithms developed to predict the effect of sequence changes on RNA splicing suggest that this variant may create or strengthen a splice site. In summary, the available evidence is currently insufficient to determine the role of this variant in disease. Therefore, it has been classified as a Variant of Uncertain Significance.

NM_001283009.2(RTEL1):c.1623G>A (p.Leu541=)

Genes: RTEL1 (regulator of telomere elongation helicase 1; plus strand), RTEL1-TNFRSF6B (RTEL1-TNFRSF6B readthrough (NMD candidate); plus strand). Cytogenetic location: 20q13.33.
Variant type: single nucleotide variant.
Coding change: c.1623G>A on transcript NM_001283009.2 (MANE Select); coding-DNA position 1623, G replaced by A.
Protein change: p.Leu541=; no amino-acid change (leucine 541 retained).
Molecular consequence: synonymous variant. On other transcripts: non-coding transcript variant (1).
Genome position (GRCh38, 1-based): chr20:63,688,166, G>A. VCF-style: chr20-63688166-G-A. GRCh37 (hg19) VCF-style: chr20-62319519-G-A.
Other names: c.954G>A, p.Leu318= (NM_001283010.1); c.1623G>A, p.Leu541= (NM_016434.4); c.1695G>A, p.Leu565= (NM_032957.5).
Identifiers: ClinVar variation 1923951 (VCV001923951.2), dbSNP rs1201390599, ClinGen allele CA511660752.